The following is an entry in ClinVar:

ClinVar aggregate classification (germline): Uncertain significance. Review status: criteria provided, single submitter (1 of 4 stars). 2 submissions from 2 submitters: Uncertain significance (1). 1 of the submissions does not count toward it. Last evaluated 2017-04-17.

Conditions:
MYH14-related disorder. Also called: MYH14-related condition.

Allele frequency attached by ClinVar (database versions not stated): ExAC below 0.00001; gnomAD 0.00003 and 0.00004; TOPMed 0.00005; ESP Exome Variant Server 0.00008.
gnomAD v4.1: 16 of 1,575,800 alleles (0.001%); highest among the groups gnomAD compares: African/African-American, 0.016%; no homozygotes.

Submissions (2):

Eurofins Ntd Llc (ga)
Classification: Uncertain significance. Last evaluated: 2017-04-17. Review status: criteria provided, single submitter. Criteria: EGL Classification Definitions 2015. Collection method: clinical testing. Allele origin: germline. Observed: 1 variant allele, 1 heterozygote.

PreventionGenetics, part of Exact Sciences
Classification: Uncertain significance for MYH14-related condition. Last evaluated: 2024-02-19. Review status: no assertion criteria provided. Collection method: clinical testing. Allele origin: germline. Not counted in ClinVar's aggregate classification.
Comment: The MYH14 c.3363G>C variant is predicted to result in the amino acid substitution p.Glu1121Asp. To our knowledge, this variant has not been reported in the literature or in a large population database, indicating this variant is rare. At this time, the clinical significance of this variant is uncertain due to the absence of conclusive functional and genetic evidence.

NM_001145809.2(MYH14):c.3363G>C (p.Glu1121Asp)

Gene: MYH14 (myosin heavy chain 14; plus strand). Cytogenetic location: 19q13.33.
Variant type: single nucleotide variant.
Coding change: c.3363G>C on transcript NM_001145809.2 (MANE Select); coding-DNA position 3363, G replaced by C.
Protein change: p.Glu1121Asp; replaces glutamic acid 1121 with aspartic acid.
Molecular consequence: missense variant.
Genome position (GRCh38, 1-based): chr19:50,272,627, G>C. VCF-style: chr19-50272627-G-C. GRCh37 (hg19) VCF-style: chr19-50775884-G-C.
Other names: c.3264G>C, p.Glu1088Asp (NM_001077186.2); c.3240G>C, p.Glu1080Asp (NM_024729.4); c.3363G>C (NM_001145809.1); short protein forms E1080D, E1121D, E1088D.
Identifiers: ClinVar variation 501071 (VCV000501071.7), dbSNP rs374915603, ClinGen allele CA9593202.